The following continues an entry in ClinVar:

NM_177924.5(ASAH1):c.79-3C>T

Gene: ASAH1. ClinVar aggregate classification (germline): Benign/Likely benign. Benign (7); Likely benign (1).

Submissions 29 to 72 of 72:

Dr. Peter K. Rogan Lab, Western University
No classification provided (evidence only). Condition: Chronic lymphocytic leukemia/small lymphocytic lymphoma. Review status: no classification provided. Collection method: in vitro. Allele origin: not applicable. Functional consequence: retained intron. Not counted in ClinVar's aggregate classification.

Dr. Peter K. Rogan Lab, Western University
No classification provided (evidence only). Condition: Chronic lymphocytic leukemia/small lymphocytic lymphoma. Review status: no classification provided. Collection method: in vitro. Allele origin: not applicable. Functional consequence: retained intron. Not counted in ClinVar's aggregate classification.

Dr. Peter K. Rogan Lab, Western University
No classification provided (evidence only). Condition: Chronic lymphocytic leukemia/small lymphocytic lymphoma. Review status: no classification provided. Collection method: in vitro. Allele origin: not applicable. Functional consequence: retained intron. Not counted in ClinVar's aggregate classification.

Dr. Peter K. Rogan Lab, Western University
No classification provided (evidence only). Condition: Chronic lymphocytic leukemia/small lymphocytic lymphoma. Review status: no classification provided. Collection method: in vitro. Allele origin: not applicable. Functional consequence: retained intron. Not counted in ClinVar's aggregate classification.

Dr. Peter K. Rogan Lab, Western University
No classification provided (evidence only). Condition: Chronic lymphocytic leukemia/small lymphocytic lymphoma. Review status: no classification provided. Collection method: in vitro. Allele origin: not applicable. Functional consequence: retained intron. Not counted in ClinVar's aggregate classification.

Dr. Peter K. Rogan Lab, Western University
No classification provided (evidence only). Condition: Chronic lymphocytic leukemia/small lymphocytic lymphoma. Review status: no classification provided. Collection method: in vitro. Allele origin: not applicable. Functional consequence: retained intron. Not counted in ClinVar's aggregate classification.

Dr. Peter K. Rogan Lab, Western University
No classification provided (evidence only). Condition: Chronic lymphocytic leukemia/small lymphocytic lymphoma. Review status: no classification provided. Collection method: in vitro. Allele origin: not applicable. Functional consequence: retained intron. Not counted in ClinVar's aggregate classification.

Dr. Peter K. Rogan Lab, Western University
No classification provided (evidence only). Condition: Chronic lymphocytic leukemia/small lymphocytic lymphoma. Review status: no classification provided. Collection method: in vitro. Allele origin: not applicable. Functional consequence: retained intron. Not counted in ClinVar's aggregate classification.

Dr. Peter K. Rogan Lab, Western University
No classification provided (evidence only). Condition: Chronic lymphocytic leukemia/small lymphocytic lymphoma. Review status: no classification provided. Collection method: in vitro. Allele origin: not applicable. Functional consequence: retained intron. Not counted in ClinVar's aggregate classification.

Dr. Peter K. Rogan Lab, Western University
No classification provided (evidence only). Condition: Chronic lymphocytic leukemia/small lymphocytic lymphoma. Review status: no classification provided. Collection method: in vitro. Allele origin: not applicable. Functional consequence: retained intron. Not counted in ClinVar's aggregate classification.

Dr. Peter K. Rogan Lab, Western University
No classification provided (evidence only). Condition: Chronic lymphocytic leukemia/small lymphocytic lymphoma. Review status: no classification provided. Collection method: in vitro. Allele origin: not applicable. Functional consequence: retained intron. Not counted in ClinVar's aggregate classification.

Dr. Peter K. Rogan Lab, Western University
No classification provided (evidence only). Condition: Nonpapillary renal cell carcinoma. Review status: no classification provided. Collection method: in vitro. Allele origin: not applicable. Functional consequence: retained intron. Not counted in ClinVar's aggregate classification.

Dr. Peter K. Rogan Lab, Western University
No classification provided (evidence only). Condition: Nonpapillary renal cell carcinoma. Review status: no classification provided. Collection method: in vitro. Allele origin: not applicable. Functional consequence: retained intron. Not counted in ClinVar's aggregate classification.

Dr. Peter K. Rogan Lab, Western University
No classification provided (evidence only). Condition: Nonpapillary renal cell carcinoma. Review status: no classification provided. Collection method: in vitro. Allele origin: not applicable. Functional consequence: retained intron. Not counted in ClinVar's aggregate classification.

Dr. Peter K. Rogan Lab, Western University
No classification provided (evidence only). Condition: Nonpapillary renal cell carcinoma. Review status: no classification provided. Collection method: in vitro. Allele origin: not applicable. Functional consequence: retained intron. Not counted in ClinVar's aggregate classification.

Dr. Peter K. Rogan Lab, Western University
No classification provided (evidence only). Condition: Nonpapillary renal cell carcinoma. Review status: no classification provided. Collection method: in vitro. Allele origin: not applicable. Functional consequence: retained intron. Not counted in ClinVar's aggregate classification.

Dr. Peter K. Rogan Lab, Western University
No classification provided (evidence only). Condition: Nonpapillary renal cell carcinoma. Review status: no classification provided. Collection method: in vitro. Allele origin: not applicable. Functional consequence: retained intron. Not counted in ClinVar's aggregate classification.

Dr. Peter K. Rogan Lab, Western University
No classification provided (evidence only). Condition: Nonpapillary renal cell carcinoma. Review status: no classification provided. Collection method: in vitro. Allele origin: not applicable. Functional consequence: retained intron. Not counted in ClinVar's aggregate classification.

Dr. Peter K. Rogan Lab, Western University
No classification provided (evidence only). Condition: Familial pancreatic carcinoma. Review status: no classification provided. Collection method: in vitro. Allele origin: not applicable. Functional consequence: retained intron. Not counted in ClinVar's aggregate classification.

Dr. Peter K. Rogan Lab, Western University
No classification provided (evidence only). Condition: Familial pancreatic carcinoma. Review status: no classification provided. Collection method: in vitro. Allele origin: not applicable. Functional consequence: retained intron. Not counted in ClinVar's aggregate classification.

Dr. Peter K. Rogan Lab, Western University
No classification provided (evidence only). Condition: Familial pancreatic carcinoma. Review status: no classification provided. Collection method: in vitro. Allele origin: not applicable. Functional consequence: retained intron. Not counted in ClinVar's aggregate classification.

Dr. Peter K. Rogan Lab, Western University
No classification provided (evidence only). Condition: Familial pancreatic carcinoma. Review status: no classification provided. Collection method: in vitro. Allele origin: not applicable. Functional consequence: retained intron. Not counted in ClinVar's aggregate classification.

Dr. Peter K. Rogan Lab, Western University
No classification provided (evidence only). Condition: Familial pancreatic carcinoma. Review status: no classification provided. Collection method: in vitro. Allele origin: not applicable. Functional consequence: retained intron. Not counted in ClinVar's aggregate classification.

Dr. Peter K. Rogan Lab, Western University
No classification provided (evidence only). Condition: Familial pancreatic carcinoma. Review status: no classification provided. Collection method: in vitro. Allele origin: not applicable. Functional consequence: retained intron. Not counted in ClinVar's aggregate classification.

Dr. Peter K. Rogan Lab, Western University
No classification provided (evidence only). Condition: Familial pancreatic carcinoma. Review status: no classification provided. Collection method: in vitro. Allele origin: not applicable. Functional consequence: retained intron. Not counted in ClinVar's aggregate classification.

Dr. Peter K. Rogan Lab, Western University
No classification provided (evidence only). Condition: Familial pancreatic carcinoma. Review status: no classification provided. Collection method: in vitro. Allele origin: not applicable. Functional consequence: retained intron. Not counted in ClinVar's aggregate classification.

Dr. Peter K. Rogan Lab, Western University
No classification provided (evidence only). Condition: Familial pancreatic carcinoma. Review status: no classification provided. Collection method: in vitro. Allele origin: not applicable. Functional consequence: retained intron. Not counted in ClinVar's aggregate classification.

Dr. Peter K. Rogan Lab, Western University
No classification provided (evidence only). Condition: Familial pancreatic carcinoma. Review status: no classification provided. Collection method: in vitro. Allele origin: not applicable. Functional consequence: retained intron. Not counted in ClinVar's aggregate classification.

Dr. Peter K. Rogan Lab, Western University
No classification provided (evidence only). Condition: Hepatocellular carcinoma. Review status: no classification provided. Collection method: in vitro. Allele origin: not applicable. Functional consequence: retained intron. Not counted in ClinVar's aggregate classification.

Dr. Peter K. Rogan Lab, Western University
No classification provided (evidence only). Condition: Hepatocellular carcinoma. Review status: no classification provided. Collection method: in vitro. Allele origin: not applicable. Functional consequence: retained intron. Not counted in ClinVar's aggregate classification.

Dr. Peter K. Rogan Lab, Western University
No classification provided (evidence only). Condition: Hepatocellular carcinoma. Review status: no classification provided. Collection method: in vitro. Allele origin: not applicable. Functional consequence: retained intron. Not counted in ClinVar's aggregate classification.

Dr. Peter K. Rogan Lab, Western University
No classification provided (evidence only). Condition: Hepatocellular carcinoma. Review status: no classification provided. Collection method: in vitro. Allele origin: not applicable. Functional consequence: retained intron. Not counted in ClinVar's aggregate classification.

Dr. Peter K. Rogan Lab, Western University
No classification provided (evidence only). Condition: Hepatocellular carcinoma. Review status: no classification provided. Collection method: in vitro. Allele origin: not applicable. Functional consequence: retained intron. Not counted in ClinVar's aggregate classification.

Dr. Peter K. Rogan Lab, Western University
No classification provided (evidence only). Condition: Hepatocellular carcinoma. Review status: no classification provided. Collection method: in vitro. Allele origin: not applicable. Functional consequence: retained intron. Not counted in ClinVar's aggregate classification.

Dr. Peter K. Rogan Lab, Western University
No classification provided (evidence only). Condition: Hepatocellular carcinoma. Review status: no classification provided. Collection method: in vitro. Allele origin: not applicable. Functional consequence: retained intron. Not counted in ClinVar's aggregate classification.

Dr. Peter K. Rogan Lab, Western University
No classification provided (evidence only). Condition: Lymphoma. Review status: no classification provided. Collection method: in vitro. Allele origin: not applicable. Functional consequence: retained intron. Not counted in ClinVar's aggregate classification.

Dr. Peter K. Rogan Lab, Western University
No classification provided (evidence only). Condition: Lymphoma. Review status: no classification provided. Collection method: in vitro. Allele origin: not applicable. Functional consequence: skipped exon, retained intron. Not counted in ClinVar's aggregate classification.

Dr. Peter K. Rogan Lab, Western University
No classification provided (evidence only). Condition: Lymphoma. Review status: no classification provided. Collection method: in vitro. Allele origin: not applicable. Functional consequence: retained intron. Not counted in ClinVar's aggregate classification.

Dr. Peter K. Rogan Lab, Western University
No classification provided (evidence only). Condition: Lymphoma. Review status: no classification provided. Collection method: in vitro. Allele origin: not applicable. Functional consequence: retained intron. Not counted in ClinVar's aggregate classification.

Dr. Peter K. Rogan Lab, Western University
No classification provided (evidence only). Condition: Lymphoma. Review status: no classification provided. Collection method: in vitro. Allele origin: not applicable. Functional consequence: retained intron. Not counted in ClinVar's aggregate classification.

Dr. Peter K. Rogan Lab, Western University
No classification provided (evidence only). Condition: Ovarian cancer. Review status: no classification provided. Collection method: in vitro. Allele origin: not applicable. Functional consequence: retained intron. Not counted in ClinVar's aggregate classification.

Dr. Peter K. Rogan Lab, Western University
No classification provided (evidence only). Condition: Ovarian cancer. Review status: no classification provided. Collection method: in vitro. Allele origin: not applicable. Functional consequence: retained intron. Not counted in ClinVar's aggregate classification.

Dr. Peter K. Rogan Lab, Western University
No classification provided (evidence only). Condition: Ovarian cancer. Review status: no classification provided. Collection method: in vitro. Allele origin: not applicable. Functional consequence: retained intron. Not counted in ClinVar's aggregate classification.

Dr. Peter K. Rogan Lab, Western University
No classification provided (evidence only). Condition: Ovarian cancer. Review status: no classification provided. Collection method: in vitro. Allele origin: not applicable. Functional consequence: retained intron. Not counted in ClinVar's aggregate classification.